The following is an entry in ClinVar:

ClinVar aggregate classification (germline): Pathogenic/Likely pathogenic. Review status: criteria provided, multiple submitters, no conflicts (2 of 4 stars). 19 submissions from 19 submitters: Pathogenic (13); Likely pathogenic (3). 3 of the submissions do not count toward it. Last evaluated 2026-03-07.

Conditions:
MUTYH-related disorder. Also called: MUTYH-related condition; MUTYH-related disorders.
Hereditary cancer-predisposing syndrome. Also called: Tumor predisposition; Neoplastic Syndromes, Hereditary; Hereditary Cancer Syndrome; Hereditary neoplastic syndrome. Identifiers: Orphanet 140162, MedGen C0027672, MeSH D009386, MONDO:0015356.
Ovarian cancer. Also called: OVARIAN CANCER, SOMATIC. Identifiers: Orphanet 213500, MedGen C1140680, MONDO:0008170, OMIM 167000.
Pilomatrixoma (PTR). Also called: EPITHELIOMA CALCIFICANS OF MALHERBE; Pilomatricoma, somatic; PILOMATRICOMA. Identifiers: Orphanet 91414, MedGen C0206711, MeSH D018296, MONDO:0007564, OMIM 132600, HP:0030434.
Familial adenomatous polyposis 2. Also called: MUTYH Polyposis; ADENOMAS, MULTIPLE COLORECTAL, AUTOSOMAL RECESSIVE; Adenomas, multiple colorectal; MYH-associated polyposis; FAP type 2; MUTYH-related attenuated familial adenomatous polyposis. Identifiers: Orphanet 220460, Orphanet 247798, MedGen C3272841, MONDO:0012041, OMIM 608456.

Allele frequency attached by ClinVar (database versions not stated): gnomAD exomes below 0.00001 and 0.00001; ExAC 0.00001; gnomAD 0.00002 and 0.00003; TOPMed 0.00003.

Submissions 1 to 6 of 19:

PreventionGenetics, part of Exact Sciences
Classification: Pathogenic for MUTYH-related condition. Last evaluated: 2026-03-07. Review status: criteria provided, single submitter. Criteria: ACMG Guidelines, 2015. Collection method: clinical testing. Allele origin: germline.
Comment: The MUTYH c.544C>T variant is predicted to result in the amino acid substitution p.Arg182Cys. This variant, also reported as c.502C>T (p.Arg168Cys) on an alternate transcript, has been detected in the compound heterozygous state in several individuals with MUTYH-associated polyposis, and functional studies support its pathogenicity (Cattaneo et al. 2007. PubMed ID: 18091433; Di Gregorio et al. 2006. PubMed ID: 16890597; De Rosa et al. 2009. PubMed ID: 19279422; Wang et al. 2004. PubMed ID: 15236166; Steinke et al. 2008. PubMed ID: 18301448; Komine et al. 2015. PubMed ID: 25820570). An alternate missense change at the same amino acid position is also well documented as causative (p.Arg182His; Dell et al. 2021. PubMed ID: 34704405; Ercoskun et al. 2022. PubMed ID: 35418818). This variant is classified as pathogenic and likely pathogenic in the ClinVar database (Variation ID: 187280). This variant is reported in 0.00088% of alleles in individuals of European (Non-Finnish) descent in gnomAD. This variant is interpreted as pathogenic.

Labcorp Genetics (formerly Invitae), Labcorp
Classification: Pathogenic for Familial adenomatous polyposis 2. Last evaluated: 2026-01-26. Review status: criteria provided, single submitter. Criteria: Invitae Variant Classification Sherloc (09022015). Collection method: clinical testing. Allele origin: germline.
Comment: This sequence change replaces arginine, which is basic and polar, with cysteine, which is neutral and slightly polar, at codon 182 of the MUTYH protein (p.Arg182Cys). This variant is present in population databases (rs747993448, gnomAD 0.0009%). This missense change has been observed in individual(s) with MUTYH-associated adenomatous polyposis and colorectal cancer (PMID: 15236166, 16890597, 18091433, 18301448, 19279422, 21195604). This variant is also known as p.Arg168Cys. ClinVar contains an entry for this variant (Variation ID: 187280). An algorithm developed to predict the effect of missense changes on protein structure and function (PolyPhen-2) suggests that this variant is likely to be disruptive. Experimental studies have shown that this missense change affects MUTYH function (PMID: 15236166, 25820570). This variant disrupts the p.Arg182 amino acid residue in MUTYH. Other variant(s) that disrupt this residue have been determined to be pathogenic (PMID: 15236166, 20848659, 23322991, 25820570). This suggests that this residue is clinically significant, and that variants that disrupt this residue are likely to be disease-causing. For these reasons, this variant has been classified as Pathogenic.

Women's Health and Genetics/Laboratory Corporation of America, LabCorp
Classification: Pathogenic for Familial adenomatous polyposis 2. Last evaluated: 2025-09-19. Review status: criteria provided, single submitter. Criteria: LabCorp Variant Classification Summary - May 2015. Collection method: clinical testing. Allele origin: germline.
Comment: Variant summary: MUTYH c.544C>T (p.Arg182Cys) results in a non-conservative amino acid change located in the HhH-GPD domain (IPR003265) of the encoded protein sequence. Algorithms developed to predict the effect of missense changes on protein structure and function are either unavailable or do not agree on the potential impact of this missense change. The variant allele was found at a frequency of 4e-06 in 251458 control chromosomes. c.544C>T has been reported in the literature in individuals affected with MUTYH-Associated Polyposis and colorectal cancer (e.g. Dell_2021, Di Gregorio_2006, Morak_2010, Wang_2004). These data indicate that the variant is likely to be associated with disease. At least one publication reported experimental evidence evaluating an impact on protein function and demonstrated that this missense resulted in deficient function in a bacterial complementation assay (Komine_2015). A different variant affecting the same codon has been classified as pathogenic by our lab (c.545G>A, p.Arg182His), supporting the critical relevance of codon 182 to MUTYH protein function. The following publications have been ascertained in the context of this evaluation (PMID: 34704405, 16890597, 25820570, 20618354, 15236166). ClinVar contains an entry for this variant (Variation ID: 187280). Based on the evidence outlined above, the variant was classified as pathogenic.

Color Diagnostics, LLC DBA Color Health
Classification: Pathogenic for Hereditary cancer-predisposing syndrome. Last evaluated: 2025-07-21. Review status: criteria provided, single submitter. Criteria: ACMG Guidelines, 2015. Collection method: clinical testing. Allele origin: germline.
Comment: This missense variant replaces arginine with cysteine at codon 182 of the MUTYH protein. This variant is also known as c.502C>T (p.Arg168Cys) in the literature based on a different transcript (NM_001048171). Computational prediction suggests that this variant may have deleterious impact on protein structure and function. A functional study has shown that the mutant protein is unable to complement MutY-deficient bacterial cells (PMID: 25820570). This variant has been reported in individuals affected with multiple adenomatous polyposis in compound heterozygous state with a known pathogenic variant (PMID: 15236166, 16890597, 18091433). This variant has been identified in 1/251458 chromosomes in the general population by the Genome Aggregation Database (gnomAD). A different variant occurring at the same amino acid position, NM_001128425.2:c.545G>A (p.Arg182His) (a.k.a. NM_001048174.2:c.461G>A (p.Arg154His)) is known to be disease-causing (ClinVar Variation ID: 182689), indicating that arginine at this position is important for MUTYH function. Based on the available evidence, this variant is classified as Pathogenic.

Center for Genomic Medicine, Rigshospitalet, Copenhagen University Hospital
Classification: Pathogenic. Last evaluated: 2025-03-04. Review status: criteria provided, single submitter. Criteria: ACMG Guidelines, 2015. Collection method: clinical testing. Allele origin: germline.

Ambry Genetics
Classification: Pathogenic for Hereditary cancer-predisposing syndrome. Last evaluated: 2025-02-10. Review status: criteria provided, single submitter. Criteria: Ambry Variant Classification Scheme 2023. Collection method: clinical testing. Allele origin: germline.
Comment: The p.R182C pathogenic mutation (also known as c.544C>T), located in coding exon 7 of the MUTYH gene, results from a C to T substitution at nucleotide position 544. The arginine at codon 182 is replaced by cysteine, an amino acid with highly dissimilar properties. This variant has been identified in the homozygous state and/or in conjunction with other MUTYH variant(s) in individual(s) who met clinical criteria for MUTYH-associated polyposis; in at least one instance, the variants were identified in trans (Wang L et al. Gastroenterology. 2004 Jul;127(1):9-16; Cattaneo F et al. Genet. Med. 2007 Dec;9(12):836-41; De Rosa M et al. Dis Colon Rectum. 2009 Feb;52(2):268-74; Universal Mutation Database [available from the UMD database]). This alteration has also been identified in a monoallelic state in two individuals with colorectal cancer and/or adenomatous polyps, both of whom met Amsterdam criteria (Morak M et al. Eur. J. Cancer. 2011 May;47(7):1046-55; Steinke V et al. Eur. J. Hum. Genet. 2008 May; 16(5):587-92). A functional complementation assay classified this alteration as defective (Komine K et al. Hum Mutat. 2015 Jul;36(7):704-11). Of note, this mutation is also designated as p.R168C in published literature. Other variant(s) at the same codon, p.R182H (c.545G>A), have been identified in individual(s) with features consistent with MUTYH-associated polyposis (Isidro et al. Hum Mutat 2004 Oct; 24(4):353-4; Di Gregorio et al. Gastroenterology 2006 Aug; 131(2):439-44; Aretz et al. Int J Cancer 2006 Aug 15;119(4): 807-14; Jones N et al. Gastroenterology. 2009 Aug;137(2):489-94, 494.e1; Morak M et al. Clin Genet. 2010 Oct;78(4):353-63). This variant is considered to be rare based on population cohorts in the Genome Aggregation Database (gnomAD). This amino acid position is highly conserved in available vertebrate species. In addition, this alteration is predicted to be deleterious by in silico analysis. Based on the available evidence, this alteration is classified as a pathogenic mutation.

NM_001048174.2(MUTYH):c.460C>T (p.Arg154Cys)

Gene: MUTYH (mutY DNA glycosylase; minus strand). Cytogenetic location: 1p34.1.
Variant type: single nucleotide variant.
Coding change: c.460C>T on transcript NM_001048174.2 (MANE Select); coding-DNA position 460, C replaced by T.
Protein change: p.Arg154Cys; replaces arginine 154 with cysteine.
Molecular consequence: missense variant. On other transcripts: non-coding transcript variant (2).
Genome position (GRCh38, 1-based): chr1:45,332,795, G>A on the plus strand (C>T on the coding strand, the complement: MUTYH is on the minus strand). VCF-style: chr1-45332795-G-A. GRCh37 (hg19) VCF-style: chr1-45798467-G-A.
Other names: c.460C>T, p.Arg154Cys (NM_001048171.2, NM_001048173.2, NM_001293195.2); c.463C>T, p.Arg155Cys (NM_001048172.2); c.544C>T, p.Arg182Cys (NM_001128425.2); c.505C>T, p.Arg169Cys (NM_001293190.2); c.493C>T, p.Arg165Cys (NM_001293191.2); c.184C>T, p.Arg62Cys (NM_001293192.2, NM_001293196.2); c.115C>T, p.Arg39Cys (NM_001350650.2, NM_001350651.2); c.535C>T, p.Arg179Cys (NM_012222.3); short protein forms R182C, R168C, R179C, R62C, R39C, R155C, R165C, R169C.
Identifiers: ClinVar variation 187280 (VCV000187280.70), dbSNP rs747993448, ClinGen allele CA013785.